The following is an entry in ClinVar:

ClinVar aggregate classification (germline): Uncertain significance (1 of 4 stars; one submission).

Conditions:
Hypokalemic periodic paralysis, type 1. Also called: HypoPP; Hypokalemic Periodic Paralysis Type 1 (AD). Identifiers: Orphanet 681, MedGen C3714580, MONDO:0042979, OMIM 170400.
Malignant hyperthermia, susceptibility to, 5 (MHS5). Also called: CACNA1S-Related Malignant Hyperthermia Susceptibility. Identifiers: Orphanet 423, MedGen C1866077, MONDO:0011163, OMIM 601887.

Allele frequency attached by ClinVar (database versions not stated): TOPMed 0.00001.

Submission:

Labcorp Genetics (formerly Invitae), Labcorp
Classification: Uncertain significance for Hypokalemic periodic paralysis, type 1; Malignant hyperthermia, susceptibility to, 5. Last evaluated: 2025-06-23. Review status: criteria provided, single submitter. Criteria: Invitae Variant Classification Sherloc (09022015). Collection method: clinical testing. Allele origin: germline.
Comment: This sequence change replaces alanine, which is neutral and non-polar, with valine, which is neutral and non-polar, at codon 574 of the CACNA1S protein (p.Ala574Val). This variant is not present in population databases (gnomAD no frequency). This variant has not been reported in the literature in individuals affected with CACNA1S-related conditions. ClinVar contains an entry for this variant (Variation ID: 1469376). Invitae Evidence Modeling of protein sequence and biophysical properties (such as structural, functional, and spatial information, amino acid conservation, physicochemical variation, residue mobility, and thermodynamic stability) indicates that this missense variant is not expected to disrupt CACNA1S protein function with a negative predictive value of 95%. In summary, the available evidence is currently insufficient to determine the role of this variant in disease. Therefore, it has been classified as a Variant of Uncertain Significance.

NM_000069.3(CACNA1S):c.1721C>T (p.Ala574Val)

Gene: CACNA1S (calcium voltage-gated channel subunit alpha1 S; minus strand). Cytogenetic location: 1q32.1.
Variant type: single nucleotide variant.
Coding change: c.1721C>T on transcript NM_000069.3 (MANE Select); coding-DNA position 1721, C replaced by T.
Protein change: p.Ala574Val; replaces alanine 574 with valine.
Molecular consequence: missense variant.
Genome position (GRCh38, 1-based): chr1:201,077,026, G>A on the plus strand (C>T on the coding strand, the complement: CACNA1S is on the minus strand). VCF-style: chr1-201077026-G-A. GRCh37 (hg19) VCF-style: chr1-201046154-G-A.
Other names: short protein forms A574V.
Identifiers: ClinVar variation 1469376 (VCV001469376.6), dbSNP rs1004513123, ClinGen allele CA35977603.
Genomic context (GRCh38, chr1:201,077,026, plus strand): 5'-CGCCGTACTTCTGTGTCTTCAAAGTCATACCTCCCCCCAAAGAGCTGCATGCCCAGGAGG[G>A]CGAAGATGACGATGAAGAGGAAGAGCAGCAGCAGCAGGGAGGCGATGGAGCGGATGGAGT-3'
Protein context (NP_000060.2, residues 564-584): LLLFLFIVIF[Ala574Val]LLGMQLFGGR